The following is an entry in ClinVar:

ClinVar aggregate classification (germline): Pathogenic/Likely pathogenic. Review status: criteria provided, multiple submitters, no conflicts (2 of 4 stars). 2 submissions from 2 submitters: Pathogenic (1); Likely pathogenic (1). Last evaluated 2026-03-22.

gnomAD v4.1: 1 of 1,614,194 alleles (0.000062%); highest among the groups gnomAD compares: Non-Finnish European, 0.000085%; no homozygotes.

Submissions (2):

GeneDx
Classification: Pathogenic. Last evaluated: 2026-03-22. Review status: criteria provided, single submitter. Criteria: GeneDx Variant Classification Process June 2021. Collection method: clinical testing. Allele origin: germline.
Comment: Reported in several members of one family with variegate porphyria; however, detailed clinical information was not provided (PMID: 11348478); Nonsense variant predicted to result in protein truncation or nonsense mediated decay in a gene for which loss of function is a known mechanism of disease; Not observed at significant frequency in large population cohorts (gnomAD); This variant is associated with the following publications: (PMID: 25525159, 11348478, 40961234)

Human Genetics Bochum, Ruhr University Bochum
Classification: Likely pathogenic. Last evaluated: 2023-07-13. Review status: criteria provided, single submitter. Criteria: ACMG Guidelines, 2015. Collection method: clinical testing. Allele origin: germline. Affected: yes.
Comment: ACMG criteria used to clasify this variant: PVS1, PM2_SUP

NM_001122764.3(PPOX):c.571G>T (p.Glu191Ter)

Gene: PPOX (protoporphyrinogen oxidase; plus strand). Cytogenetic location: 1q23.3.
Variant type: single nucleotide variant.
Coding change: c.571G>T on transcript NM_001122764.3 (MANE Select); coding-DNA position 571, G replaced by T.
Protein change: p.Glu191Ter; replaces glutamic acid 191 with a stop codon.
Molecular consequence: nonsense.
Genome position (GRCh38, 1-based): chr1:161,168,531, G>T. VCF-style: chr1-161168531-G-T. GRCh37 (hg19) VCF-style: chr1-161138321-G-T.
Other names: c.571G>T, p.Glu191Ter (NM_000309.5, NM_001365398.1, NM_001365399.1); c.472G>T, p.Glu158Ter (NM_001350128.2); c.163G>T, p.Glu55Ter (NM_001350129.2, NM_001365400.1); c.85G>T, p.Glu29Ter (NM_001350130.2, NM_001350131.2, NM_001365401.1); c.571G>T (NM_000309.3); short protein forms E158*, E191*, E29*, E55*.
Identifiers: ClinVar variation 2583134 (VCV002583134.3), dbSNP rs2525251745, ClinGen allele CA343353996.